The following is an entry in ClinVar:

ClinVar aggregate classification (germline): Uncertain significance (1 of 4 stars; one submission).

Conditions:
Combined oxidative phosphorylation defect type 14. Also called: Combined oxidative phosphorylation deficiency 14. Identifiers: Orphanet 319519, MedGen C4755312, MONDO:0013986, OMIM 614946.

Allele frequency attached by ClinVar (database versions not stated): gnomAD 0.00001; TOPMed 0.00001.
gnomAD v4.1: 16 of 1,613,996 alleles (0.00099%); highest among the groups gnomAD compares: Non-Finnish European, 0.0013%; no homozygotes.

Submission:

Labcorp Genetics (formerly Invitae), Labcorp
Classification: Uncertain significance for Combined oxidative phosphorylation defect type 14. Last evaluated: 2024-07-13. Review status: criteria provided, single submitter. Criteria: Invitae Variant Classification Sherloc (09022015). Collection method: clinical testing. Allele origin: germline.
Comment: This sequence change replaces aspartic acid, which is acidic and polar, with asparagine, which is neutral and polar, at codon 62 of the FARS2 protein (p.Asp62Asn). This variant is present in population databases (rs780467389, gnomAD 0.003%). This variant has not been reported in the literature in individuals affected with FARS2-related conditions. ClinVar contains an entry for this variant (Variation ID: 1353363). An algorithm developed to predict the effect of missense changes on protein structure and function outputs the following: PolyPhen-2: "Benign". The asparagine amino acid residue is found in multiple mammalian species, which suggests that this missense change does not adversely affect protein function. In summary, the available evidence is currently insufficient to determine the role of this variant in disease. Therefore, it has been classified as a Variant of Uncertain Significance.

NM_006567.5(FARS2):c.184G>A (p.Asp62Asn)

Genes: FARS2 (phenylalanyl-tRNA synthetase 2, mitochondrial; plus strand), LOC126859565 (CDK7 strongly-dependent group 2 enhancer GRCh37_chr6:5368745-5369944; plus strand). Cytogenetic location: 6p25.1.
Variant type: single nucleotide variant.
Coding change: c.184G>A on transcript NM_006567.5 (MANE Select); coding-DNA position 184, G replaced by A.
Protein change: p.Asp62Asn; replaces aspartic acid 62 with asparagine.
Molecular consequence: missense variant. On other transcripts: intron variant (2).
Genome position (GRCh38, 1-based): chr6:5,368,754, G>A. VCF-style: chr6-5368754-G-A. GRCh37 (hg19) VCF-style: chr6-5368987-G-A.
Other names: c.184G>A, p.Asp62Asn (NM_001318872.2, NM_001374875.1, NM_001374876.1 and 5 more transcripts); c.-340-27879G>A (NM_001375260.1); c.-84-35788G>A (NM_001375259.1); short protein forms D62N.
Identifiers: ClinVar variation 1353363 (VCV001353363.8), dbSNP rs780467389, ClinGen allele CA3623603.